The following is an entry in ClinVar:

ClinVar aggregate classification (germline): Uncertain significance. Review status: criteria provided, multiple submitters, no conflicts (2 of 4 stars). 2 submissions from 2 submitters: Uncertain significance (2). Last evaluated 2026-07-28.

Conditions:
EP300-related disorder. Also called: EP300-related condition; EP300-related disorders.
Rubinstein-Taybi syndrome due to EP300 haploinsufficiency. Also called: EP300-Related Rubinstein-Taybi Syndrome; RUBINSTEIN-TAYBI SYNDROME 2. Identifiers: Orphanet 353284, Orphanet 783, MedGen C3150941, MONDO:0013364, OMIM 613684.

Submissions (2):

PreventionGenetics, part of Exact Sciences
Classification: Uncertain significance for EP300-related condition. Last evaluated: 2026-07-28. Review status: criteria provided, single submitter. Criteria: ACMG Guidelines, 2015. Collection method: clinical testing. Allele origin: germline.
Comment: The EP300 c.2261G>C variant is predicted to result in the amino acid substitution p.Arg754Pro. To our knowledge, this variant has not been reported in the literature or in a large population database (gnomAD), indicating this variant is rare. At this time, the clinical significance of this variant is uncertain due to the absence of conclusive functional and genetic evidence.

Labcorp Genetics (formerly Invitae), Labcorp
Classification: Uncertain significance for Rubinstein-Taybi syndrome due to EP300 haploinsufficiency. Last evaluated: 2022-09-30. Review status: criteria provided, single submitter. Criteria: Invitae Variant Classification Sherloc (09022015). Collection method: clinical testing. Allele origin: germline.
Comment: In summary, the available evidence is currently insufficient to determine the role of this variant in disease. Therefore, it has been classified as a Variant of Uncertain Significance. Advanced modeling of protein sequence and biophysical properties (such as structural, functional, and spatial information, amino acid conservation, physicochemical variation, residue mobility, and thermodynamic stability) performed at Invitae indicates that this missense variant is not expected to disrupt EP300 protein function. This variant has not been reported in the literature in individuals affected with EP300-related conditions. This variant is not present in population databases (gnomAD no frequency). This sequence change replaces arginine, which is basic and polar, with proline, which is neutral and non-polar, at codon 754 of the EP300 protein (p.Arg754Pro).

NM_001429.4(EP300):c.2261G>C (p.Arg754Pro)

Gene: EP300 (EP300 lysine acetyltransferase; plus strand). Cytogenetic location: 22q13.2.
Variant type: single nucleotide variant.
Coding change: c.2261G>C on transcript NM_001429.4 (MANE Select); coding-DNA position 2261, G replaced by C.
Protein change: p.Arg754Pro; replaces arginine 754 with proline.
Molecular consequence: missense variant.
Genome position (GRCh38, 1-based): chr22:41,149,057, G>C. VCF-style: chr22-41149057-G-C. GRCh37 (hg19) VCF-style: chr22-41545061-G-C.
Other names: c.2183G>C, p.Arg728Pro (NM_001362843.2); c.2261G>C (NM_001429.3); short protein forms R728P, R754P.
Identifiers: ClinVar variation 2026841 (VCV002026841.5), dbSNP rs544338126, ClinGen allele CA411690433.
Genomic context (GRCh38, chr22:41,149,057, plus strand): 5'-AATGAAGCAGTTTGGTGATTTGTGTTTTTTTTTTTTTTCAGCCTATGGGCTATGGGCCTC[G>C]TATGCAACAGCCTTCCAACCAGGGCCAGTTCCTTCCTCAGACTCAGTTCCCATCACAGGG-3'
Protein context (NP_001420.2, residues 744-764): ALNPPMGYGP[Arg754Pro]MQQPSNQGQF